The following is an entry in ClinVar:

ClinVar aggregate classification (germline): Likely pathogenic. Review status: reviewed by expert panel (3 of 4 stars). 7 submissions from 7 submitters: Likely pathogenic (1). 6 of the submissions do not count toward it. Last evaluated 2019-08-11.

Conditions:
Phenylketonuria (PKU). Also called: Phenylketonuria (PKU); FOLLING DISEASE; OLIGOPHRENIA PHENYLPYRUVICA; Phenylketonurias. Identifiers: Orphanet 716, MedGen C0031485, MONDO:0009861, OMIM 261600. Disease mechanism: loss of function.

Allele frequency attached by ClinVar (database versions not stated): gnomAD exomes 0.00001; ExAC 0.00002; TOPMed below 0.00001.
gnomAD v4.1: 11 of 1,612,640 alleles (0.00068%); highest among the groups gnomAD compares: African/African-American, 0.0067%; no homozygotes.

Submissions (7):

ClinGen PAH Variant Curation Expert Panel
Classification: Likely pathogenic for Phenylketonuria. Last evaluated: 2019-08-11. Review status: reviewed by expert panel. Criteria: ClinGen PAH ACMG Specifications v1. Collection method: curation. Allele origin: germline. Inheritance: Autosomal recessive inheritance.
Comment: The c.505C>T (p.Arg169Cys) PAH variant has been identified in at least 3 compound heterozygous probands with mild HPA to classic PKU, with at least 1 proband excluding BH4 deficiency (PMIDs: 28771436, 30050108, 30747360). It has been detected in trans with pathogenic variants Arg243Gln (ClinVar 591), Arg408Gln (ClinVar 577), and c.208_210del (ClinVar 102632). This variant occurs and a very low frequency of 0.00001194 in gnomAD. In summary, this variant meets criteria to be classified as likely pathogenic for PAH. PAH-specific ACMG/AMP criteria applied: PM3_Strong, PM2, PP4_Moderate.

Natera, Inc.
Classification: Likely pathogenic for Phenylketonuria. Last evaluated: 2025-03-07. Review status: criteria provided, single submitter. Criteria: Natera Variant Classification Schema (03/2026). Collection method: clinical testing. Allele origin: germline. Not counted in ClinVar's aggregate classification.
Comment: The c.505C>T variant in PAH is a missense variant predicted to cause substitution of arginine to cysteine at amino acid 169. This variant is rare in the general population with a frequency below the threshold expected for the associated phenotype(s). This variant has been observed in one or more individuals affected with the associated recessive disease, as either homozygous or compound heterozygous with a second variant (PMID: 30050108, 28982351, 36845377, 38863445). A different variant at the same position has been determined to be Pathogenic or Likely Pathogenic. Computational prediction algorithms indicate this variant is likely to affect gene or protein function. Given the available evidence, this variant is classified as Likely Pathogenic.

Labcorp Genetics (formerly Invitae), Labcorp
Classification: Pathogenic for Phenylketonuria. Last evaluated: 2024-09-27. Review status: criteria provided, single submitter. Criteria: Invitae Variant Classification Sherloc (09022015). Collection method: clinical testing. Allele origin: germline. Not counted in ClinVar's aggregate classification.
Comment: This sequence change replaces arginine, which is basic and polar, with cysteine, which is neutral and slightly polar, at codon 169 of the PAH protein (p.Arg169Cys). This variant is present in population databases (rs281865440, gnomAD 0.003%). This missense change has been observed in individual(s) with PAH-related conditions (PMID: 28771436, 32668217; BIOPKU). ClinVar contains an entry for this variant (Variation ID: 125436). Invitae Evidence Modeling of protein sequence and biophysical properties (such as structural, functional, and spatial information, amino acid conservation, physicochemical variation, residue mobility, and thermodynamic stability) has been performed for this missense variant. However, the output from this modeling did not meet the statistical confidence thresholds required to predict the impact of this variant on PAH protein function. This variant disrupts the p.Arg169 amino acid residue in PAH. Other variant(s) that disrupt this residue have been determined to be pathogenic (PMID: 10234516, 18299955, 21147011, 26666653, 28982351, 30459323). This suggests that this residue is clinically significant, and that variants that disrupt this residue are likely to be disease-causing. For these reasons, this variant has been classified as Pathogenic.

GeneDx
Classification: Pathogenic. Last evaluated: 2024-02-27. Review status: criteria provided, single submitter. Criteria: GeneDx Variant Classification Process June 2021. Collection method: clinical testing. Allele origin: germline. Affected: yes. Not counted in ClinVar's aggregate classification.
Comment: Not observed at significant frequency in large population cohorts (gnomAD); In silico analysis supports that this missense variant has a deleterious effect on protein structure/function; This variant is associated with the following publications: (PMID: 26503515, 29499199, 32668217, 30050108, 28771436, 29316886, 21147011, 36845377)

Myriad Genetics, Inc.
Classification: Likely pathogenic for Phenylketonuria. Last evaluated: 2021-11-08. Review status: criteria provided, single submitter. Criteria: Myriad Women's Health Autosomal Recessive and X-Linked Classification Criteria (2021). Collection method: clinical testing. Allele origin: unknown. Not counted in ClinVar's aggregate classification.
Comment: NM_000277.1(PAH):c.505C>T(R169C) is a missense variant classified as likely pathogenic in the context of phenylalanine hydroxylase deficiency. Please note that the R169C mutation can be associated with any form of this disease. R169C has been observed in cases with relevant disease (PMID: 32668217, 30050108, 28982351, 28771436). Functional assessments of this variant are not available in the literature. R169C has been observed in population frequency databases (gnomAD: SAS 0.003%). In summary, NM_000277.1(PAH):c.505C>T(R169C) is a missense variant that has been observed more frequently in cases with the relevant disease than in healthy populations. Please note: this variant was assessed in the context of healthy population screening.

Genome-Nilou Lab
Classification: Likely pathogenic for Phenylketonuria. Last evaluated: 2021-07-22. Review status: criteria provided, single submitter. Criteria: ACMG Guidelines, 2015. Collection method: clinical testing. Allele origin: germline. Affected: no. Not counted in ClinVar's aggregate classification.

Inserm U 954, Faculté de Médecine de Nancy
Classification: Likely pathogenic for Phenylketonuria. Review status: no assertion criteria provided. Collection method: not provided. Allele origin: unknown. Not counted in ClinVar's aggregate classification.
ClinVar note: Converted during submission from probable-pathogenic to Likely pathogenic.

Literature cited by the submitters: PubMed 30747360 (cited by ClinGen PAH Variant Curation Expert Panel); PubMed 30050108 (cited by 3 submitters); PubMed 28771436 (cited by 3 submitters); PubMed 28982351 (cited by 3 submitters); PubMed 36845377 (cited by Natera, Inc.); PubMed 38863445 (cited by Natera, Inc.); PubMed 32668217 (cited by Labcorp Genetics (formerly Invitae), Labcorp and Myriad Genetics, Inc.); PubMed 10234516 (cited by Labcorp Genetics (formerly Invitae), Labcorp); PubMed 18299955 (cited by Labcorp Genetics (formerly Invitae), Labcorp); PubMed 21147011 (cited by Labcorp Genetics (formerly Invitae), Labcorp); PubMed 26666653 (cited by Labcorp Genetics (formerly Invitae), Labcorp); PubMed 30459323 (cited by Labcorp Genetics (formerly Invitae), Labcorp).

NM_000277.3(PAH):c.505C>T (p.Arg169Cys)

Gene: PAH (phenylalanine hydroxylase; minus strand). Cytogenetic location: 12q23.2.
Variant type: single nucleotide variant.
Coding change: c.505C>T on transcript NM_000277.3 (MANE Select); coding-DNA position 505, C replaced by T.
Protein change: p.Arg169Cys; replaces arginine 169 with cysteine.
Molecular consequence: missense variant.
Genome position (GRCh38, 1-based): chr12:102,866,600, G>A on the plus strand (C>T on the coding strand, the complement: PAH is on the minus strand). VCF-style: chr12-102866600-G-A. GRCh37 (hg19) VCF-style: chr12-103260378-G-A.
Other names: c.505C>T, p.Arg169Cys (NM_001354304.2); c.505C>T (NM_000277.2); short protein forms R169C.
Identifiers: ClinVar variation 125436 (VCV000125436.19), dbSNP rs281865440, ClinGen allele CA267693.
Genomic context (GRCh38, chr12:102,866,600, plus strand): 5'-AAGCAGGCTAGGGGTGTGTTTTTCTCTCTTCCCCTCAACAAGCAAGGCAGACTTACTGGC[G>A]GTAGTTGTAGGCAATGTCAGCAAACTGCTTCCGTCTTGCACGGTACACAGGATCTTTAAA-3'
Protein context (NP_000268.1, residues 159-179): KQFADIAYNY[Arg169Cys]HGQPIPRVEY